The following is an entry in ClinVar:

NM_001040108.2(MLH3):c.4198A>G (p.Met1400Val)

Gene: MLH3 (mutL homolog 3; minus strand). Cytogenetic location: 14q24.3.
Variant type: single nucleotide variant.
Coding change: c.4198A>G on transcript NM_001040108.2 (MANE Select); coding-DNA position 4198, A replaced by G.
Protein change: p.Met1400Val; replaces methionine 1400 with valine.
Molecular consequence: missense variant.
Genome position (GRCh38, 1-based): chr14:75,018,873, T>C on the plus strand (A>G on the coding strand, the complement: MLH3 is on the minus strand). VCF-style: chr14-75018873-T-C. GRCh37 (hg19) VCF-style: chr14-75485576-T-C.
Other names: c.4126A>G, p.Met1376Val (NM_014381.3); short protein forms M1400V, M1376V.
Identifiers: ClinVar variation 863980 (VCV000863980.14), dbSNP rs375559867, ClinGen allele CA263630860.
Genomic context (GRCh38, chr14:75,018,873, plus strand): 5'-TTAGTCATTAATGTACCTGTTTTTCCTGTTCCAAGTGGTCTATGTCAGCTAACGGCAGCA[T>C]AGAAGGTCTCCCGTGAGCACACTGGAATGGCAGCTGGCATGAGGACAGAGCTTCAATAAG-3'
Protein context (NP_001035197.1, residues 1390-1410): PFQCAHGRPS[Met1400Val]LPLADIDHLE

ClinVar aggregate classification (germline): Uncertain significance. Review status: criteria provided, multiple submitters, no conflicts (2 of 4 stars). 3 submissions from 3 submitters: Uncertain significance (3). Last evaluated 2025-08-10.

Conditions:
Colorectal cancer, hereditary nonpolyposis, type 7. Identifiers: Orphanet 144, MedGen C1858380, MONDO:0013725, OMIM 614385.

Allele frequency attached by ClinVar (database versions not stated): TOPMed below 0.00001; gnomAD exomes 0.00001; ESP Exome Variant Server 0.00008.

Submissions (3):

Ambry Genetics
Classification: Uncertain significance. Last evaluated: 2025-08-10. Review status: criteria provided, single submitter. Criteria: Ambry Variant Classification Scheme 2023. Collection method: clinical testing. Allele origin: germline.

Labcorp Genetics (formerly Invitae), Labcorp
Classification: Uncertain significance for Colorectal cancer, hereditary nonpolyposis, type 7. Last evaluated: 2024-07-31. Review status: criteria provided, single submitter. Criteria: Invitae Variant Classification Sherloc (09022015). Collection method: clinical testing. Allele origin: germline.
Comment: This sequence change replaces methionine, which is neutral and non-polar, with valine, which is neutral and non-polar, at codon 1400 of the MLH3 protein (p.Met1400Val). This variant is not present in population databases (gnomAD no frequency). This variant has not been reported in the literature in individuals affected with MLH3-related conditions. ClinVar contains an entry for this variant (Variation ID: 863980). An algorithm developed to predict the effect of missense changes on protein structure and function (PolyPhen-2) suggests that this variant is likely to be tolerated. In summary, the available evidence is currently insufficient to determine the role of this variant in disease. Therefore, it has been classified as a Variant of Uncertain Significance.

Blueprint Genetics
Classification: Uncertain significance. Last evaluated: 2023-02-10. Review status: criteria provided, single submitter. Criteria: ACMG Guidelines, 2015. Collection method: clinical testing. Allele origin: germline.